The following is an entry in ClinVar:

ClinVar aggregate classification (germline): Uncertain significance (1 of 4 stars; one submission).

Submission:

GeneDx
Classification: Uncertain significance. Last evaluated: 2024-02-01. Review status: criteria provided, single submitter. Criteria: GeneDx Variant Classification Process June 2021. Collection method: clinical testing. Allele origin: germline. Affected: yes.
Comment: Not observed at significant frequency in large population cohorts (gnomAD); In silico analysis supports that this missense variant has a deleterious effect on protein structure/function; Has not been previously published as pathogenic or benign to our knowledge

NM_005068.3(SIM1):c.1033G>A (p.Asp345Asn)

Genes: SIM1 (SIM bHLH transcription factor 1; minus strand), SIM1-AS1 (SIM1 antisense RNA 1; plus strand). Cytogenetic location: 6q16.3.
Variant type: single nucleotide variant.
Coding change: c.1033G>A on transcript NM_005068.3 (MANE Select); coding-DNA position 1033, G replaced by A.
Protein change: p.Asp345Asn; replaces aspartic acid 345 with asparagine.
Molecular consequence: missense variant.
Genome position (GRCh38, 1-based): chr6:100,420,924, C>T on the plus strand (G>A on the coding strand, the complement: SIM1 is on the minus strand). VCF-style: chr6-100420924-C-T. GRCh37 (hg19) VCF-style: chr6-100868800-C-T.
Other names: c.1033G>A, p.Asp345Asn (NM_001374769.1); short protein forms D345N.
Identifiers: ClinVar variation 3368679 (VCV003368679.1).